The following is an entry in ClinVar:

ClinVar aggregate classification (germline): Likely benign (1 of 4 stars; one submission).

Allele frequency attached by ClinVar (database versions not stated): gnomAD 0.00001; gnomAD exomes 0.00001.

Submission:

CeGaT Center for Human Genetics Tuebingen
Classification: Likely benign. Last evaluated: 2022-10-01. Review status: criteria provided, single submitter. Criteria: CeGaT Center For Human Genetics Tuebingen Variant Classification Criteria Version 2. Collection method: clinical testing. Allele origin: germline. Affected: yes. Observed: 1 variant allele.
Comment: HADH: BP4, BP7

NC_000004.12:g.107989827G>A

Genes: HADH (hydroxyacyl-CoA dehydrogenase; plus strand), LOC129992931 (ATAC-STARR-seq lymphoblastoid silent region 15614; plus strand). Cytogenetic location: 4q25.
Variant type: single nucleotide variant.
Genome position: GRCh38 VCF-style: chr4-107989827-G-A. GRCh37 (hg19) VCF-style: chr4-108910983-G-A.
Identifiers: ClinVar variation 2655016 (VCV002655016.22), dbSNP rs1486328303, ClinGen allele CA554050040.